The following is an entry in ClinVar:

NM_021815.5(SLC5A7):c.649T>A (p.Phe217Ile)

Gene: SLC5A7 (solute carrier family 5 member 7; plus strand). Cytogenetic location: 2q12.3.
Variant type: single nucleotide variant.
Coding change: c.649T>A on transcript NM_021815.5 (MANE Select); coding-DNA position 649, T replaced by A.
Protein change: p.Phe217Ile; replaces phenylalanine 217 with isoleucine.
Molecular consequence: missense variant. On other transcripts: 5 prime UTR variant (1).
Genome position (GRCh38, 1-based): chr2:108,001,948, T>A. VCF-style: chr2-108001948-T-A. GRCh37 (hg19) VCF-style: chr2-108618404-T-A.
Other names: c.649T>A, p.Phe217Ile (NM_001305005.3); c.334T>A, p.Phe112Ile (NM_001305006.3); c.-93T>A (NM_001305007.3); short protein forms F112I, F217I.
Identifiers: ClinVar variation 1719775 (VCV001719775.6), dbSNP rs749869661, ClinGen allele CA348112815.

ClinVar aggregate classification (germline): Uncertain significance (1 of 4 stars; one submission).

Conditions:
Neuronopathy, distal hereditary motor, type 7A. Also called: HARPER-YOUNG MYOPATHY; HMN VIIA; Neuronopathy, distal hereditary motor, type viia; SPINAL MUSCULAR ATROPHY, DISTAL, WITH VOCAL CORD PARALYSIS; NEURONOPATHY, DISTAL HEREDITARY MOTOR, HARDING TYPE VIIA; NEUROPATHY, DISTAL HEREDITARY MOTOR, HARDING TYPE VIIA. Identifiers: Orphanet 139589, MedGen C1834703, MONDO:0008024, OMIM 158580.
Congenital myasthenic syndrome 20. Also called: Myasthenic syndrome, congenital, 20, presynaptic. Identifiers: MedGen C4310694, MONDO:0014939, OMIM 617143.

Submission:

Labcorp Genetics (formerly Invitae), Labcorp
Classification: Uncertain significance for Neuronopathy, distal hereditary motor, type 7A; Congenital myasthenic syndrome 20. Last evaluated: 2022-07-27. Review status: criteria provided, single submitter. Criteria: Invitae Variant Classification Sherloc (09022015). Collection method: clinical testing. Allele origin: germline.
Comment: This variant is not present in population databases (gnomAD no frequency). In summary, the available evidence is currently insufficient to determine the role of this variant in disease. Therefore, it has been classified as a Variant of Uncertain Significance. Algorithms developed to predict the effect of missense changes on protein structure and function (SIFT, PolyPhen-2, Align-GVGD) all suggest that this variant is likely to be tolerated. This variant has not been reported in the literature in individuals affected with SLC5A7-related conditions. This sequence change replaces phenylalanine, which is neutral and non-polar, with isoleucine, which is neutral and non-polar, at codon 217 of the SLC5A7 protein (p.Phe217Ile).